The following is an entry in ClinVar:

ClinVar aggregate classification (germline): Uncertain significance (0 of 4 stars; one submission).

Conditions:
ARHGEF28-related disorder. Also called: ARHGEF28-related condition.

gnomAD v4.1: 19 of 1,613,480 alleles (0.0012%); highest among the groups gnomAD compares: East Asian, 0.0045%; no homozygotes.

Submission:

PreventionGenetics, part of Exact Sciences
Classification: Uncertain significance for ARHGEF28-related condition. Last evaluated: 2024-08-01. Review status: no assertion criteria provided. Collection method: clinical testing. Allele origin: germline.
Comment: The ARHGEF28 c.274G>A variant is predicted to result in the amino acid substitution p.Val92Met. To our knowledge, this variant has not been reported in the literature. This variant is reported in 0.011% of alleles in individuals of East Asian descent in gnomAD. At this time, the clinical significance of this variant is uncertain due to the absence of conclusive functional and genetic evidence.

NM_001177693.2(ARHGEF28):c.274G>A (p.Val92Met)

Gene: ARHGEF28 (Rho guanine nucleotide exchange factor 28; plus strand). Cytogenetic location: 5q13.2.
Variant type: single nucleotide variant.
Coding change: c.274G>A on transcript NM_001177693.2 (MANE Select); coding-DNA position 274, G replaced by A.
Protein change: p.Val92Met; replaces valine 92 with methionine.
Molecular consequence: missense variant. On other transcripts: intron variant (1).
Genome position (GRCh38, 1-based): chr5:73,753,001, G>A. VCF-style: chr5-73753001-G-A. GRCh37 (hg19) VCF-style: chr5-73048826-G-A.
Other names: c.274G>A, p.Val92Met (NM_001080479.3, NM_001388078.1); c.181+3017G>A (NM_001388076.1); short protein forms V92M.
Identifiers: ClinVar variation 3355225 (VCV003355225.1).